The following is an entry in ClinVar:

ClinVar aggregate classification (germline): Conflicting classifications of pathogenicity. Review status: criteria provided, conflicting classifications (1 of 4 stars). 4 submissions from 4 submitters: Pathogenic (1); Likely pathogenic (2); Uncertain significance (1). Last evaluated 2026-03-23.

Conditions:
Inborn genetic diseases. Identifiers: MedGen C0950123, MeSH D030342.
Alport syndrome. Also called: Hemorrhagic familial nephritis; Hemorrhagic hereditary nephritis; Congenital hereditary hematuria. Identifiers: Orphanet 63, MedGen C1567741, MONDO:0018965.
Autosomal recessive Alport syndrome (ATS2). Also called: ALPORT SYNDROME 2, AUTOSOMAL RECESSIVE; COL4A4 Alport Syndrome and Thin Basement Membrane Nephropathy; Alport syndrome type 2; COL4A3-Related Nephropathy. Identifiers: Orphanet 63, Orphanet 88919, MedGen C4746745, MONDO:0008762, OMIM 203780.
Hematuria, benign familial, 1 (BFH1). Also called: THIN MEMBRANE NEPHROPATHY. Identifiers: MedGen CN376803, MONDO:0007709, OMIM 141200.

Submissions (4):

Victorian Clinical Genetics Services, Murdoch Childrens Research Institute
Classification: Pathogenic for Alport syndrome. Last evaluated: 2026-03-23. Review status: criteria provided, single submitter. Criteria: ACMG Guidelines, 2015. Collection method: clinical testing. Allele origin: germline. Affected: yes.
Comment: This variant is classified as Pathogenic. Evidence in support of pathogenic classification: Splice site variant proven to affect splicing of the transcript with a known effect on protein sequence. RNA studies on patient samples shows that the abolished canonical splice site results in the in-frame skipping of exon 38, p.(Pro1170_Gly1193del)(PMID: 37441478); Variant is absent from gnomAD (v2, v3 and v4); This variant has strong previous evidence of pathogenicity in unrelated individuals. This variant has been classified twice as likely pathogenic and once as VUS by clinical laboratories in ClinVar. This variant has been reported in multiple affected individuals presenting with COL4A4-related phenotypes in both compound heterozygous and heterozygous states (PMIDs: 37441478, 39540369, 36685964). Additional information: This variant is heterozygous; This gene is associated with both recessive and dominant Alport syndrome (MONDO:0018965), COL4A4-related; Variant is expected to truncate the well-established functional Gly-X-Y motif in the collagen triple helical domain (DECIPHER); Loss of function is a known mechanism of disease for this gene and is associated with Alport syndrome (MONDO:0018965), COL4A4-related. Dominant negative is a suspected mechanism of disease for glycine changes that are part of a Gly-X-Y repeat in the triple helix of a collagen domain (PMIDs: 12028435, 24046192, 38214412); Inheritance information for this variant is not currently available in this individual.

Ambry Genetics
Classification: Uncertain significance for Inborn genetic diseases. Last evaluated: 2024-11-27. Review status: criteria provided, single submitter. Criteria: Ambry Variant Classification Scheme 2023. Collection method: clinical testing. Allele origin: germline.
Comment: The c.3506-13_3528del36 alteration is located in between Intron 37 (E) and Exon 38 of the COL4A4 gene. This alteration consists of a deletion of 36 nucleotides between nucleotide positions c.3506-13 and c.3528 between Intron 37 (E) and Exon 38. Alterations that disrupt the canonical splice site are expected to result in aberrant splicing. The resulting transcript is in-frame and does not trigger nonsense-mediated mRNA decay. This variant was not reported in population-based cohorts in the Genome Aggregation Database (gnomAD). This variant has been identified in conjunction with another COL4A4 variant in an individual with features consistent with COL4A4-related Alport syndrome; in at least one instance, the variants were identified in trans (Gao, 2023). RNA studies have demonstrated that this alteration results in abnormal splicing (Zhang, 2023). In silico splice site analysis predicts that this alteration will weaken the native splice acceptor site. Based on insufficient or conflicting evidence, the clinical significance of this alteration remains unclear.

Fulgent Genetics
Classification: Likely pathogenic for Hematuria, benign familial, 1; Autosomal recessive Alport syndrome. Last evaluated: 2024-01-29. Review status: criteria provided, single submitter. Criteria: ACMG Guidelines, 2015. Collection method: clinical testing. Allele origin: germline.

Labcorp Genetics (formerly Invitae), Labcorp
Classification: Likely pathogenic. Last evaluated: 2022-11-01. Review status: criteria provided, single submitter. Criteria: Invitae Variant Classification Sherloc (09022015). Collection method: clinical testing. Allele origin: germline.
Comment: This variant results in the deletion of part of exon 38 (c.3506-13_3528del) of the COL4A4 gene. It is expected to disrupt RNA splicing. Variants that disrupt the donor or acceptor splice site typically lead to a loss of protein function (PMID: 16199547), and loss-of-function variants in COL4A4 are known to be pathogenic (PMID: 21196518, 24854265, 25307543). In summary, the currently available evidence indicates that the variant is pathogenic, but additional data are needed to prove that conclusively. Therefore, this variant has been classified as Likely Pathogenic. Algorithms developed to predict the effect of sequence changes on RNA splicing suggest that this variant may disrupt the consensus splice site. ClinVar contains an entry for this variant (Variation ID: 1516858). This variant has not been reported in the literature in individuals affected with COL4A4-related conditions. This variant is not present in population databases (gnomAD no frequency).

Literature cited by the submitters: PubMed 39540369 (cited by Victorian Clinical Genetics Services, Murdoch Childrens Research Institute); PubMed 36685964 (cited by Victorian Clinical Genetics Services, Murdoch Childrens Research Institute and Ambry Genetics); PubMed 38214412 (cited by Victorian Clinical Genetics Services, Murdoch Childrens Research Institute); PubMed 24046192 (cited by Victorian Clinical Genetics Services, Murdoch Childrens Research Institute); PubMed 37441478 (cited by Victorian Clinical Genetics Services, Murdoch Childrens Research Institute and Ambry Genetics); PubMed 12028435 (cited by Victorian Clinical Genetics Services, Murdoch Childrens Research Institute); PubMed 16199547 (cited by Labcorp Genetics (formerly Invitae), Labcorp); PubMed 21196518 (cited by Labcorp Genetics (formerly Invitae), Labcorp); PubMed 24854265 (cited by Labcorp Genetics (formerly Invitae), Labcorp); PubMed 25307543 (cited by Labcorp Genetics (formerly Invitae), Labcorp).

NM_000092.5(COL4A4):c.3506-13_3528del

Gene: COL4A4 (collagen type IV alpha 4 chain; minus strand). Cytogenetic location: 2q36.3.
Variant type: Deletion.
Coding change: c.3506-13_3528del on transcript NM_000092.5 (MANE Select); 13 bases into the intron before coding-DNA position 3506 through coding-DNA position 3528, 36 bases deleted.
Molecular consequence: splice acceptor variant.
Genome position (GRCh38, 1-based): chr2:227,033,459-227,033,494, 36 bases deleted; deleting any 36 consecutive bases within chr2:227,033,459-227,033,500 gives the same sequence; the c. name uses the placement nearest the transcript's 3' end. GRCh37 (hg19): chr2:227,898,181-227,898,216.
Other names: c.3506-13_3528del36 (NM_000092.4).
Identifiers: ClinVar variation 1516858 (VCV001516858.9), dbSNP rs2149993330, ClinGen allele CA2573135361.
Genomic context (GRCh38, chr2:227,033,458, plus strand): 5'-TTAGGTGCTTACCTGAAGCACCTTTAGTTCCTTTCTGACCTTTCAATCCATGCAAGCCGT[TCAGGCCAGGTGATCCGGAGGGACCTGAAAAACACCA>T]CAGGCCTGTGACCCAAAGGAAGACCAGCCACCGGTACTCACTCTAGCCACAAACGCAGGC-3'